The following is an entry in ClinVar:

ClinVar aggregate classification (germline): Uncertain significance (1 of 4 stars; one submission).

Conditions:
Cardiovascular phenotype. Identifiers: MedGen CN230736.

Submission:

Ambry Genetics
Classification: Uncertain significance for Cardiovascular phenotype. Last evaluated: 2024-08-27. Review status: criteria provided, single submitter. Criteria: Ambry Variant Classification Scheme 2023. Collection method: clinical testing. Allele origin: germline.
Comment: The p.I419V variant (also known as c.1255A>G), located in coding exon 11 of the RAF1 gene, results from an A to G substitution at nucleotide position 1255. The isoleucine at codon 419 is replaced by valine, an amino acid with highly similar properties. This amino acid position is highly conserved in available vertebrate species. In addition, the in silico prediction for this alteration is inconclusive. Based on the available evidence, the clinical significance of this variant remains unclear.

NM_002880.4(RAF1):c.1255A>G (p.Ile419Val)

Gene: RAF1 (Raf-1 proto-oncogene, serine/threonine kinase; minus strand). Cytogenetic location: 3p25.2.
Variant type: single nucleotide variant.
Coding change: c.1255A>G on transcript NM_002880.4 (MANE Select); coding-DNA position 1255, A replaced by G.
Protein change: p.Ile419Val; replaces isoleucine 419 with valine.
Molecular consequence: missense variant. On other transcripts: non-coding transcript variant (3).
Genome position (GRCh38, 1-based): chr3:12,590,913, T>C on the plus strand (A>G on the coding strand, the complement: RAF1 is on the minus strand). VCF-style: chr3-12590913-T-C. GRCh37 (hg19) VCF-style: chr3-12632412-T-C.
Other names: c.1315A>G, p.Ile439Val (NM_001354689.3); c.1255A>G, p.Ile419Val (NM_001354690.3); c.1012A>G, p.Ile338Val (NM_001354691.3, NM_001354692.3); c.1156A>G, p.Ile386Val (NM_001354693.3); c.1072A>G, p.Ile358Val (NM_001354694.3); c.913A>G, p.Ile305Val (NM_001354695.3); short protein forms I358V, I439V, I338V, I386V, I305V, I419V.
Identifiers: ClinVar variation 3429934 (VCV003429934.1).